The following is an entry in ClinVar:

NM_000535.7(PMS2):c.2007-19T>C

Gene: PMS2 (PMS1 homolog 2, mismatch repair system component; minus strand). Cytogenetic location: 7p22.1.
Variant type: single nucleotide variant.
Coding change: c.2007-19T>C on transcript NM_000535.7 (MANE Select); 19 bases into the intron before coding-DNA position 2007, T replaced by C.
Molecular consequence: intron variant.
Genome position (GRCh38, 1-based): chr7:5,983,010, A>G on the plus strand (T>C on the coding strand, the complement: PMS2 is on the minus strand). VCF-style: chr7-5983010-A-G. GRCh37 (hg19) VCF-style: chr7-6022641-A-G.
Other names: c.1689-19T>C (NM_001322008.2, NM_001322007.2); c.1446-19T>C (NM_001322010.2); c.1602-19T>C (NM_001322004.2, NM_001322003.2, NM_001322009.2 and 1 more transcripts); c.1434-19T>C (NM_001322013.2); c.1074-19T>C (NM_001322012.2, NM_001322011.2); c.1698-19T>C (NM_001322015.2); c.1851-19T>C (NM_001322006.2); c.2007-19T>C (NM_001322014.2).
Identifiers: ClinVar variation 517725 (VCV000517725.1), dbSNP rs1554295999, ClinGen allele CA658796884.

ClinVar aggregate classification (germline): Likely benign (1 of 4 stars; one submission).

Submission:

GeneDx
Classification: Likely benign. Last evaluated: 2017-02-09. Review status: criteria provided, single submitter. Criteria: GeneDx Variant Classification (06012015). Collection method: clinical testing. Allele origin: germline. Affected: yes.
Comment: This variant is considered likely benign or benign based on one or more of the following criteria: it is a conservative change, it occurs at a poorly conserved position in the protein, it is predicted to be benign by multiple in silico algorithms, and/or has population frequency not consistent with disease.